The following is an entry in ClinVar:

NM_000426.4(LAMA2):c.7250A>G (p.His2417Arg)

Gene: LAMA2 (laminin subunit alpha 2; plus strand). Cytogenetic location: 6q22.33.
Variant type: single nucleotide variant.
Coding change: c.7250A>G on transcript NM_000426.4 (MANE Select); coding-DNA position 7250, A replaced by G.
Protein change: p.His2417Arg; replaces histidine 2417 with arginine.
Molecular consequence: missense variant.
Genome position (GRCh38, 1-based): chr6:129,465,239, A>G. VCF-style: chr6-129465239-A-G. GRCh37 (hg19) VCF-style: chr6-129786384-A-G.
Other names: p.H2417R:CAT>CGT; c.7250A>G, p.His2417Arg (NM_001079823.2); short protein forms H2417R.
Identifiers: ClinVar variation 162578 (VCV000162578.32), dbSNP rs147185142, ClinGen allele CA295398.

ClinVar aggregate classification (germline): Conflicting classifications of pathogenicity. Review status: criteria provided, conflicting classifications (1 of 4 stars). 11 submissions from 11 submitters: Uncertain significance (7); Likely benign (3). 1 of the submissions does not count toward it. Last evaluated 2026-06-19.

Conditions:
Merosin deficient congenital muscular dystrophy (MDC1A). Also called: Congenital merosin-deficient muscular dystrophy 1A; Congenital Muscular Dystrophy Type 1A (MDC1A). Identifiers: Orphanet 258, MedGen C1263858, MONDO:0011925, OMIM 607855.
Muscular dystrophy, limb-girdle, autosomal recessive 23. Identifiers: Orphanet 565837, MedGen C4748327, MONDO:0029136, OMIM 618138.
LAMA2-related disorder. Also called: LAMA2-related disorders; LAMA2-related condition.
Inborn genetic diseases. Identifiers: MedGen C0950123, MeSH D030342.
LAMA2-related muscular dystrophy (LAMA2-RD). Also called: Laminin alpha 2-related dystrophy. Identifiers: MedGen C5679788, MONDO:0100228.
Congenital muscular dystrophy due to partial LAMA2 deficiency. Identifiers: MedGen C1842898.

Allele frequency attached by ClinVar (database versions not stated): gnomAD exomes 0.00009 and 0.00017; ExAC 0.00023; gnomAD 0.00052 and 0.00053; TOPMed 0.00058; ESP Exome Variant Server 0.00077; 1000 Genomes Project 30x 0.00094; 1000 Genomes Project 0.00100.
gnomAD v4.1: 222 of 1,611,800 alleles (0.014%); highest among the groups gnomAD compares: African/African-American, 0.18%; no homozygotes.

Submissions (11):

PreventionGenetics, part of Exact Sciences
Classification: Likely benign for LAMA2-related condition. Last evaluated: 2026-06-19. Review status: criteria provided, single submitter. Criteria: ACMG Guidelines, 2015. Collection method: clinical testing. Allele origin: germline.
Comment: This variant is classified as likely benign based on ACMG/AMP sequence variant interpretation guidelines (Richards et al. 2015 PMID: 25741868, with internal and published modifications).

Myriad Genetics, Inc.
Classification: Uncertain significance for LAMA2-related muscular dystrophy. Last evaluated: 2026-05-04. Review status: criteria provided, single submitter. Criteria: Myriad Autosomal Dominant, Autosomal Recessive and X-Linked Classification Criteria (2023). Collection method: clinical testing. Allele origin: unknown.
Comment: NM_000426.3(LAMA2):c.7250A>G(H2417R) is a missense variant classified as a variant of uncertain significance in the context of muscular dystrophy, LAMA2-related. H2417R has not been observed in cases with relevant disease. Relevant functional assessments of this variant are not available in the literature. H2417R has been observed in referenced population frequency databases. In summary, there is insufficient evidence to classify NM_000426.3(LAMA2):c.7250A>G(H2417R) as pathogenic or benign. Please note: this variant was assessed in the context of healthy population screening.

Labcorp Genetics (formerly Invitae), Labcorp
Classification: Likely benign for LAMA2-related muscular dystrophy. Last evaluated: 2026-01-27. Review status: criteria provided, single submitter. Criteria: Invitae Variant Classification Sherloc (09022015). Collection method: clinical testing. Allele origin: germline.

GeneDx
Classification: Uncertain significance. Last evaluated: 2025-10-28. Review status: criteria provided, single submitter. Criteria: GeneDx Variant Classification Process June 2021. Collection method: clinical testing. Allele origin: germline. Affected: yes.
Comment: In silico analysis supports that this missense variant has a deleterious effect on protein structure/function; Has not been previously published as pathogenic or benign to our knowledge

Mayo Clinic Laboratories, Mayo Clinic
Classification: Uncertain significance. Last evaluated: 2025-06-12. Review status: criteria provided, single submitter. Criteria: ACMG Guidelines, 2015. Collection method: clinical testing. Allele origin: germline. Observed: 3 variant alleles.
Comment: PP3

Revvity Omics, Revvity
Classification: Uncertain significance. Last evaluated: 2024-12-13. Review status: criteria provided, single submitter. Criteria: ACMG Guidelines, 2015. Collection method: clinical testing. Allele origin: germline.

Ambry Genetics
Classification: Likely benign for Inborn genetic diseases. Last evaluated: 2022-05-27. Review status: criteria provided, single submitter. Criteria: Ambry Variant Classification Scheme 2023. Collection method: clinical testing. Allele origin: germline.

Fulgent Genetics
Classification: Uncertain significance for Merosin deficient congenital muscular dystrophy; Muscular dystrophy, limb-girdle, autosomal recessive 23. Last evaluated: 2021-11-10. Review status: criteria provided, single submitter. Criteria: ACMG Guidelines, 2015. Collection method: clinical testing. Allele origin: unknown.

Illumina Laboratory Services, Illumina
Classification: Uncertain significance for Congenital muscular dystrophy due to partial LAMA2 deficiency. Last evaluated: 2018-01-13. Review status: criteria provided, single submitter. Criteria: ICSL Variant Classification Criteria 13 December 2019. Collection method: clinical testing. Allele origin: germline.

Eurofins Ntd Llc (ga)
Classification: Uncertain significance. Last evaluated: 2017-10-19. Review status: criteria provided, single submitter. Criteria: EGL Classification Definitions 2015. Collection method: clinical testing. Allele origin: germline. Observed: 2 variant alleles, 2 heterozygotes.

Counsyl
Classification: Uncertain significance for Merosin deficient congenital muscular dystrophy. Last evaluated: 2017-01-24. Review status: no assertion criteria provided. Collection method: clinical testing. Allele origin: unknown. Not counted in ClinVar's aggregate classification.